The following is an entry in ClinVar:

ClinVar aggregate classification (germline): Uncertain significance (1 of 4 stars; one submission).

Conditions:
Cardiovascular phenotype. Identifiers: MedGen CN230736.

Submission:

Ambry Genetics
Classification: Uncertain significance for Cardiovascular phenotype. Last evaluated: 2026-03-30. Review status: criteria provided, single submitter. Criteria: Ambry Variant Classification Scheme 2023. Collection method: clinical testing. Allele origin: germline.
Comment: The p.C128Y variant (also known as c.383G>A), located in coding exon 1 of the FOXE3 gene, results from a G to A substitution at nucleotide position 383. The cysteine at codon 128 is replaced by tyrosine, an amino acid with highly dissimilar properties. This amino acid position is conserved. In addition, this alteration is predicted to be deleterious by in silico analysis. Based on the available evidence, the clinical significance of this variant remains unclear.

NM_012186.3(FOXE3):c.383G>A (p.Cys128Tyr)

Genes: FOXE3 (forkhead box E3; plus strand), LINC01389 (long independently transcribed non-coding RNA 1389; minus strand). Cytogenetic location: 1p33.
Variant type: single nucleotide variant.
Coding change: c.383G>A on transcript NM_012186.3 (MANE Select); coding-DNA position 383, G replaced by A.
Protein change: p.Cys128Tyr; replaces cysteine 128 with tyrosine.
Molecular consequence: missense variant.
Genome position (GRCh38, 1-based): chr1:47,416,698, G>A. VCF-style: chr1-47416698-G-A. GRCh37 (hg19) VCF-style: chr1-47882370-G-A.
Other names: short protein forms C128Y.
Identifiers: ClinVar variation 4871511 (VCV004871511.1).
Genomic context (GRCh38, chr1:47,416,698, plus strand): 5'-ACCGCGACAGCCCGCGCAAGTGGCAGAACAGCATCCGCCACAATCTCACGCTCAACGACT[G>A]CTTCGTCAAGGTGCCCCGCGAGCCGGGCAACCCGGGCAAGGGCAACTACTGGACGCTGGA-3'
Protein context (NP_036318.1, residues 118-138): SIRHNLTLND[Cys128Tyr]FVKVPREPGN